The following is an entry in ClinVar:

ClinVar aggregate classification (germline): Benign/Likely benign. Review status: criteria provided, multiple submitters, no conflicts (2 of 4 stars). 12 submissions from 12 submitters: Benign (1); Likely benign (10). 1 of the submissions does not count toward it. Last evaluated 2026-08-01.

Conditions:
MYBPC3-related disorder. Also called: MYBPC3-related disorders; MYBPC3-related condition; MYBPC3-related disease.
Cardiovascular phenotype. Identifiers: MedGen CN230736.
Left ventricular noncompaction 10 (LVNC10). Identifiers: Orphanet 154, Orphanet 54260, MedGen C3715165, MONDO:0014163, OMIM 615396.
Hypertrophic cardiomyopathy 4. Also called: Familial hypertrophic cardiomyopathy 4. Identifiers: MedGen C1861862, MONDO:0007268, OMIM 115197.
Cardiomyopathy (CMYO). Also called: Cardiomyopathies. Identifiers: Orphanet 167848, MedGen C0878544, MONDO:0004994, HP:0001638. Inheritance: Various modes of inheritance.
Hypertrophic cardiomyopathy. Also called: HYPERTROPHIC MYOCARDIOPATHY. Identifiers: Orphanet 217569, MedGen C0007194, MeSH D002312, MONDO:0005045, HP:0001639.

Allele frequency attached by ClinVar (database versions not stated): gnomAD 0.00004 and 0.00006; TOPMed 0.00007; gnomAD exomes 0.00009 and 0.00017; ExAC 0.00025.
gnomAD v4.1: 143 of 1,606,848 alleles (0.0089%); highest among the groups gnomAD compares: South Asian, 0.088%; 3 homozygotes.

Submissions (12):

CeGaT Center for Human Genetics Tuebingen
Classification: Likely benign. Last evaluated: 2026-08-01. Review status: criteria provided, single submitter. Criteria: CeGaT Center For Human Genetics Tuebingen Variant Classification Criteria Version 2. Collection method: clinical testing. Allele origin: germline. Affected: yes. Observed: 2 variant alleles.
Comment: MYBPC3: BP4, BP7

Labcorp Genetics (formerly Invitae), Labcorp
Classification: Benign for Hypertrophic cardiomyopathy. Last evaluated: 2025-12-16. Review status: criteria provided, single submitter. Criteria: Invitae Variant Classification Sherloc (09022015). Collection method: clinical testing. Allele origin: germline.

Molecular Diagnostic Laboratory for Inherited Cardiovascular Disease, Montreal Heart Institute
Classification: Likely benign. Last evaluated: 2025-04-09. Review status: criteria provided, single submitter. Criteria: ACMG Guidelines, 2015. Collection method: clinical testing. Allele origin: germline. Affected: no.

Blueprint Genetics
Classification: Likely benign. Last evaluated: 2024-02-26. Review status: criteria provided, single submitter. Criteria: ACMG Guidelines, 2015. Collection method: clinical testing. Allele origin: germline.

All of Us Research Program, National Institutes of Health
Classification: Likely benign for Hypertrophic cardiomyopathy. Last evaluated: 2024-02-05. Review status: criteria provided, single submitter. Criteria: ACMG Guidelines, 2015. Collection method: clinical testing. Allele origin: germline. Inheritance: Autosomal dominant inheritance. Observed: 16 variant alleles, 16 heterozygotes.
Comment: This study involves interpretation of variants in research participants for the purpose of population health screening. Participant phenotype was not available at the time of variant classification. Additional details can be found in publication PMID: 35346344, PMCID: PMC8962531

CHEO Genetics Diagnostic Laboratory, Children's Hospital of Eastern Ontario
Classification: Likely benign for Cardiomyopathy. Last evaluated: 2023-03-21. Review status: criteria provided, single submitter. Criteria: ACMG Guidelines, 2015. Collection method: clinical testing. Allele origin: germline.

Fulgent Genetics
Classification: Likely benign for Hypertrophic cardiomyopathy 4; Left ventricular noncompaction 10. Last evaluated: 2021-08-31. Review status: criteria provided, single submitter. Criteria: ACMG Guidelines, 2015. Collection method: clinical testing. Allele origin: unknown.

GeneDx
Classification: Likely benign. Last evaluated: 2021-04-13. Review status: criteria provided, single submitter. Criteria: GeneDx Variant Classification Process June 2021. Collection method: clinical testing. Allele origin: germline. Affected: yes.
Comment: This variant is associated with the following publications: (PMID: 28679633)

Ambry Genetics
Classification: Likely benign for Cardiovascular phenotype. Last evaluated: 2020-01-15. Review status: criteria provided, single submitter. Criteria: Ambry Variant Classification Scheme 2023. Collection method: clinical testing. Allele origin: germline.

Color Diagnostics, LLC DBA Color Health
Classification: Likely benign for Cardiomyopathy. Last evaluated: 2019-01-06. Review status: criteria provided, single submitter. Criteria: ACMG Guidelines, 2015. Collection method: clinical testing. Allele origin: germline.

Laboratory for Molecular Medicine, Mass General Brigham Personalized Medicine
Classification: Likely benign. Last evaluated: 2013-11-12. Review status: criteria provided, single submitter. Criteria: LMM Criteria. Collection method: clinical testing. Allele origin: germline. Observed: 1 variant allele.
Comment: Tyr213Tyr in exon 5 of MYBPC3: This variant is not expected to have clinical sig nificance because it does not alter an amino acid residue and is not located wit hin the splice consensus sequence. Tyr213Tyr in exon 5 of MYBPC3 (allele frequ ency = n/a)

PreventionGenetics, part of Exact Sciences
Classification: Likely benign for MYBPC3-related condition. Last evaluated: 2024-07-15. Review status: no assertion criteria provided. Collection method: clinical testing. Allele origin: germline. Not counted in ClinVar's aggregate classification.
Comment: This variant is classified as likely benign based on ACMG/AMP sequence variant interpretation guidelines (Richards et al. 2015 PMID: 25741868, with internal and published modifications).

NM_000256.3(MYBPC3):c.639C>T (p.Tyr213=)

Gene: MYBPC3 (myosin binding protein C3; minus strand). Cytogenetic location: 11p11.2.
Variant type: single nucleotide variant.
Coding change: c.639C>T on transcript NM_000256.3 (MANE Select); coding-DNA position 639, C replaced by T.
Protein change: p.Tyr213=; no amino-acid change (tyrosine 213 retained).
Molecular consequence: synonymous variant.
Genome position (GRCh38, 1-based): chr11:47,349,789, G>A on the plus strand (C>T on the coding strand, the complement: MYBPC3 is on the minus strand). VCF-style: chr11-47349789-G-A. GRCh37 (hg19) VCF-style: chr11-47371340-G-A.
Identifiers: ClinVar variation 179421 (VCV000179421.25), dbSNP rs727504858, ClinGen allele CA015576.